The following is an entry in ClinVar:

ClinVar aggregate classification (germline): Uncertain significance (1 of 4 stars; one submission).

Submission:

GeneDx
Classification: Uncertain significance. Last evaluated: 2024-04-29. Review status: criteria provided, single submitter. Criteria: GeneDx Variant Classification Process June 2021. Collection method: clinical testing. Allele origin: germline. Affected: yes.
Comment: In-frame deletion of 2 amino acids in a repetitive region with no known function; Has not been previously published as pathogenic or benign to our knowledge; In silico analysis indicates that this variant does not alter protein structure/function

NM_024496.4(IRF2BPL):c.375_380del (p.Gln126_Gln127del)

Gene: IRF2BPL (interferon regulatory factor 2 binding protein like; minus strand). Cytogenetic location: 14q24.3.
Variant type: Deletion.
Coding change: c.375_380del on transcript NM_024496.4 (MANE Select); coding-DNA positions 375 to 380, 6 bases deleted (ACAACA; older notation c.375_380delACAACA).
Protein change: p.Gln126_Gln127del.
Genome position (GRCh38, 1-based): chr14:77,027,413-77,027,418, TGTTGT deleted on the plus strand (ACAACA on the coding strand, the reverse complement: IRF2BPL is on the minus strand); deleting any 6 consecutive bases within chr14:77,027,413-77,027,420 gives the same sequence; the c. name uses the placement nearest the transcript's 3' end. VCF-style (leftmost placement, unchanged base first): chr14-77027412-CTGTTGT-C. GRCh37 (hg19) VCF-style: chr14-77493755-CTGTTGT-C.
Identifiers: ClinVar variation 3372966 (VCV003372966.1).
Genomic context (GRCh38, chr14:77,027,412, plus strand): 5'-CTCCAGGCCAGACGGGGCCGCCAGCACCGCAGGCTTGCTGGAACCATCAACGTGGTTGAG[CTGTTGT>C]TGCTGCTGCTGCTGCTGCTGCTGCTGCTGCTGTTGCTGCTGCTGCTGCTGCTGTTGCTGT-3'